The following is an entry in ClinVar:

NM_000051.4(ATM):c.6746A>T (p.Asp2249Val)

Genes: ATM (ATM serine/threonine kinase; plus strand), C11orf65 (chromosome 11 open reading frame 65; minus strand). Cytogenetic location: 11q22.3.
Variant type: single nucleotide variant.
Coding change: c.6746A>T on transcript NM_000051.4 (MANE Select); coding-DNA position 6746, A replaced by T.
Protein change: p.Asp2249Val; replaces aspartic acid 2249 with valine.
Molecular consequence: missense variant. On other transcripts: intron variant (2).
Genome position (GRCh38, 1-based): chr11:108,325,483, A>T. VCF-style: chr11-108325483-A-T. GRCh37 (hg19) VCF-style: chr11-108196210-A-T.
Other names: c.641-16412T>A (NM_001330368.2); c.*38+9737T>A (NM_001351110.2); c.6746A>T, p.Asp2249Val (NM_001351834.2); short protein forms D2249V.
Identifiers: ClinVar variation 664005 (VCV000664005.9), dbSNP rs1277367898, ClinGen allele CA382555227.
Genomic context (GRCh38, chr11:108,325,483, plus strand): 5'-TCATTTTGGAGATCCTGATGGAAAAGGAAATGGACAACTCACAAAGAGAATGTATTAAGG[A>T]CATTCTCACCAAACACCTTGTAGAACTCTCTATACTGGCCAGAACTTTCAAGAACACTCA-3'
Protein context (NP_000042.3, residues 2239-2259): MDNSQRECIK[Asp2249Val]ILTKHLVELS

ClinVar aggregate classification (germline): Uncertain significance (1 of 4 stars; one submission).

Conditions:
Ataxia-telangiectasia syndrome (AT). Also called: Ataxia-telangiectasia, complementation group D; AT, COMPLEMENTATION GROUP C; ATAXIA-TELANGIECTASIA, COMPLEMENTATION GROUP A; ATAXIA-TELANGIECTASIA, FRESNO VARIANT; Ataxia-telangiectasia; LOUIS-BAR SYNDROME. Identifiers: Orphanet 100, MedGen C0004135, MONDO:0008840, OMIM 208900.

Submission:

Labcorp Genetics (formerly Invitae), Labcorp
Classification: Uncertain significance for Ataxia-telangiectasia syndrome. Last evaluated: 2024-12-18. Review status: criteria provided, single submitter. Criteria: Invitae Variant Classification Sherloc (09022015). Collection method: clinical testing. Allele origin: germline.
Comment: This sequence change replaces aspartic acid, which is acidic and polar, with valine, which is neutral and non-polar, at codon 2249 of the ATM protein (p.Asp2249Val). This variant is not present in population databases (gnomAD no frequency). This variant has not been reported in the literature in individuals affected with ATM-related conditions. ClinVar contains an entry for this variant (Variation ID: 664005). Invitae Evidence Modeling of protein sequence and biophysical properties (such as structural, functional, and spatial information, amino acid conservation, physicochemical variation, residue mobility, and thermodynamic stability) has been performed for this missense variant. However, the output from this modeling did not meet the statistical confidence thresholds required to predict the impact of this variant on ATM protein function. In summary, the available evidence is currently insufficient to determine the role of this variant in disease. Therefore, it has been classified as a Variant of Uncertain Significance.